The following is an entry in ClinVar:

NM_001040108.2(MLH3):c.2276G>T (p.Arg759Met)

Gene: MLH3 (mutL homolog 3; minus strand). Cytogenetic location: 14q24.3.
Variant type: single nucleotide variant.
Coding change: c.2276G>T on transcript NM_001040108.2 (MANE Select); coding-DNA position 2276, G replaced by T.
Protein change: p.Arg759Met; replaces arginine 759 with methionine.
Molecular consequence: missense variant.
Genome position (GRCh38, 1-based): chr14:75,047,380, C>A on the plus strand (G>T on the coding strand, the complement: MLH3 is on the minus strand). VCF-style: chr14-75047380-C-A. GRCh37 (hg19) VCF-style: chr14-75514083-C-A.
Other names: c.2276G>T, p.Arg759Met (NM_014381.3); short protein forms R759M.
Identifiers: ClinVar variation 4841832 (VCV004841832.1).

ClinVar aggregate classification (germline): Uncertain significance (1 of 4 stars; one submission).

Submission:

Ambry Genetics
Classification: Uncertain significance. Last evaluated: 2025-12-22. Review status: criteria provided, single submitter. Criteria: Ambry Variant Classification Scheme 2023. Collection method: clinical testing. Allele origin: germline.
Comment: The p.R759M variant (also known as c.2276G>T), located in coding exon 1 of the MLH3 gene, results from a G to T substitution at nucleotide position 2276. The arginine at codon 759 is replaced by methionine, an amino acid with similar properties. This amino acid position is conserved. In addition, the in silico prediction for this alteration is inconclusive. Based on the available evidence, the clinical significance of this variant remains unclear.